The following is an entry in ClinVar:

ClinVar aggregate classification (germline): Uncertain significance. Review status: criteria provided, multiple submitters, no conflicts (2 of 4 stars). 2 submissions from 2 submitters: Uncertain significance (2). Last evaluated 2024-02-24.

Conditions:
Inborn genetic diseases. Identifiers: MedGen C0950123, MeSH D030342.
Familial temporal lobe epilepsy 7. Identifiers: Orphanet 101046, MedGen C4225327, MONDO:0014639, OMIM 616436.
Norman-Roberts syndrome (LIS2). Also called: Lissencephaly 2 (Norman-Roberts type). Identifiers: Orphanet 89844, MedGen C0796089, MONDO:0009760, OMIM 257320.

gnomAD v4.1: 3 of 1,614,088 alleles (0.00019%); highest among the groups gnomAD compares: Non-Finnish European, 0.00025%; no homozygotes.

Submissions (2):

Labcorp Genetics (formerly Invitae), Labcorp
Classification: Uncertain significance for Familial temporal lobe epilepsy 7; Norman-Roberts syndrome. Last evaluated: 2024-02-24. Review status: criteria provided, single submitter. Criteria: Invitae Variant Classification Sherloc (09022015). Collection method: clinical testing. Allele origin: germline.
Comment: This sequence change replaces histidine, which is basic and polar, with aspartic acid, which is acidic and polar, at codon 2064 of the RELN protein (p.His2064Asp). This variant is not present in population databases (gnomAD no frequency). This variant has not been reported in the literature in individuals affected with RELN-related conditions. ClinVar contains an entry for this variant (Variation ID: 655822). Advanced modeling of protein sequence and biophysical properties (such as structural, functional, and spatial information, amino acid conservation, physicochemical variation, residue mobility, and thermodynamic stability) performed at Invitae indicates that this missense variant is not expected to disrupt RELN protein function with a negative predictive value of 80%. In summary, the available evidence is currently insufficient to determine the role of this variant in disease. Therefore, it has been classified as a Variant of Uncertain Significance.

Ambry Genetics
Classification: Uncertain significance for Inborn genetic diseases. Last evaluated: 2022-12-27. Review status: criteria provided, single submitter. Criteria: Ambry Variant Classification Scheme 2023. Collection method: clinical testing. Allele origin: germline.

NM_005045.4(RELN):c.6190C>G (p.His2064Asp)

Gene: RELN (reelin; minus strand). Cytogenetic location: 7q22.1.
Variant type: single nucleotide variant.
Coding change: c.6190C>G on transcript NM_005045.4 (MANE Select); coding-DNA position 6190, C replaced by G.
Protein change: p.His2064Asp; replaces histidine 2064 with aspartic acid.
Molecular consequence: missense variant.
Genome position (GRCh38, 1-based): chr7:103,551,179, G>C on the plus strand (C>G on the coding strand, the complement: RELN is on the minus strand). VCF-style: chr7-103551179-G-C. GRCh37 (hg19) VCF-style: chr7-103191626-G-C.
Other names: c.6190C>G, p.His2064Asp (NM_173054.3); short protein forms H2064D.
Identifiers: ClinVar variation 655822 (VCV000655822.11), dbSNP rs767258528, ClinGen allele CA368738145.